The following is an entry in ClinVar:

NM_004530.6(MMP2):c.1472G>A (p.Arg491Gln)

Gene: MMP2 (matrix metallopeptidase 2; plus strand). Cytogenetic location: 16q12.2.
Variant type: single nucleotide variant.
Coding change: c.1472G>A on transcript NM_004530.6 (MANE Select); coding-DNA position 1472, G replaced by A.
Protein change: p.Arg491Gln; replaces arginine 491 with glutamine.
Molecular consequence: missense variant.
Genome position (GRCh38, 1-based): chr16:55,493,293, G>A. VCF-style: chr16-55493293-G-A. GRCh37 (hg19) VCF-style: chr16-55527205-G-A.
Other names: c.1322G>A, p.Arg441Gln (NM_001127891.3); c.1244G>A, p.Arg415Gln (NM_001302508.1, NM_001302509.2, NM_001302510.2); short protein forms R415Q, R441Q, R491Q.
Identifiers: ClinVar variation 1024312 (VCV001024312.6), dbSNP rs200852686, ClinGen allele CA8060443.

ClinVar aggregate classification (germline): Uncertain significance (1 of 4 stars; one submission).

Allele frequency attached by ClinVar (database versions not stated): TOPMed 0.00004; ExAC 0.00006; gnomAD exomes 0.00006; ESP Exome Variant Server 0.00008.
gnomAD v4.1: 115 of 1,613,924 alleles (0.0071%); highest among the groups gnomAD compares: Middle Eastern, 0.016%; no homozygotes.

Submission:

Labcorp Genetics (formerly Invitae), Labcorp
Classification: Uncertain significance. Last evaluated: 2021-08-28. Review status: criteria provided, single submitter. Criteria: Invitae Variant Classification Sherloc (09022015). Collection method: clinical testing. Allele origin: germline.
Comment: This sequence change replaces arginine with glutamine at codon 491 of the MMP2 protein (p.Arg491Gln). The arginine residue is highly conserved and there is a small physicochemical difference between arginine and glutamine. This variant also falls at the last nucleotide of exon 9, which is part of the consensus splice site for this exon. This variant is present in population databases (rs200852686, ExAC 0.02%). This variant has not been reported in the literature in individuals affected with MMP2-related conditions. Algorithms developed to predict the effect of missense changes on protein structure and function are either unavailable or do not agree on the potential impact of this missense change (SIFT: "Tolerated"; PolyPhen-2: "Possibly Damaging"; Align-GVGD: "Class C0"). Variants that disrupt the consensus splice site are a relatively common cause of aberrant splicing (PMID: 17576681, 9536098). Algorithms developed to predict the effect of sequence changes on RNA splicing suggest that this variant may disrupt the consensus splice site. In summary, the available evidence is currently insufficient to determine the role of this variant in disease. Therefore, it has been classified as a Variant of Uncertain Significance.

Literature cited by the submitters: PubMed 17576681; PubMed 9536098.